The following is an entry in ClinVar:

ClinVar aggregate classification (germline): Uncertain significance (1 of 4 stars; one submission).

Submission:

Labcorp Genetics (formerly Invitae), Labcorp
Classification: Uncertain significance. Last evaluated: 2025-01-13. Review status: criteria provided, single submitter. Criteria: Invitae Variant Classification Sherloc (09022015). Collection method: clinical testing. Allele origin: germline.
Comment: This sequence change replaces tyrosine, which is neutral and polar, with cysteine, which is neutral and slightly polar, at codon 797 of the IFT88 protein (p.Tyr797Cys). This variant is present in population databases (rs773696145, gnomAD 0.0009%). This variant has not been reported in the literature in individuals affected with IFT88-related conditions. ClinVar contains an entry for this variant (Variation ID: 1348877). An algorithm developed to predict the effect of missense changes on protein structure and function (PolyPhen-2) suggests that this variant is likely to be disruptive. In summary, the available evidence is currently insufficient to determine the role of this variant in disease. Therefore, it has been classified as a Variant of Uncertain Significance.

NM_006531.5(IFT88):c.2363A>G (p.Tyr788Cys)

Gene: IFT88 (intraflagellar transport 88; plus strand). Cytogenetic location: 13q12.11.
Variant type: single nucleotide variant.
Coding change: c.2363A>G on transcript NM_006531.5 (MANE Select); coding-DNA position 2363, A replaced by G.
Protein change: p.Tyr788Cys; replaces tyrosine 788 with cysteine.
Molecular consequence: missense variant. On other transcripts: 3 prime UTR variant (1), non-coding transcript variant (5).
Genome position (GRCh38, 1-based): chr13:20,691,063, A>G. VCF-style: chr13-20691063-A-G. GRCh37 (hg19) VCF-style: chr13-21265202-A-G.
Other names: c.2306A>G, p.Tyr769Cys (NM_001318491.2); c.2390A>G, p.Tyr797Cys (NM_001318493.2, NM_001353565.2, NM_001353566.2 and 2 more transcripts); c.2363A>G, p.Tyr788Cys (NM_001353568.2); c.2288A>G, p.Tyr763Cys (NM_001353569.2, NM_001353570.2); c.2261A>G, p.Tyr754Cys (NM_001353571.2); c.2252A>G, p.Tyr751Cys (NM_001353572.2); c.2219A>G, p.Tyr740Cys (NM_001353573.2); c.2204A>G, p.Tyr735Cys (NM_001353574.2); and 4 more; short protein forms Y726C, Y740C, Y754C, Y763C, Y577C, Y788C, Y797C, Y751C.
Identifiers: ClinVar variation 1348877 (VCV001348877.6), dbSNP rs773696145, ClinGen allele CA6905766.